The following is an entry in ClinVar:

NM_030962.4(SBF2):c.5180G>A (p.Arg1727Gln)

Genes: SBF2 (SET binding factor 2; minus strand), SBF2-AS1 (SBF2 antisense RNA 1; plus strand), LOC105369149 (uncharacterized LOC105369149; plus strand). Cytogenetic location: 11p15.4.
Variant type: single nucleotide variant.
Coding change: c.5180G>A on transcript NM_030962.4 (MANE Select); coding-DNA position 5180, G replaced by A.
Protein change: p.Arg1727Gln; replaces arginine 1727 with glutamine.
Molecular consequence: missense variant.
Genome position (GRCh38, 1-based): chr11:9,785,176, C>T on the plus strand (G>A on the coding strand, the complement: SBF2 is on the minus strand). VCF-style: chr11-9785176-C-T. GRCh37 (hg19) VCF-style: chr11-9806723-C-T.
Other names: c.5276G>A, p.Arg1759Gln (NM_001386339.1); c.5051G>A, p.Arg1684Gln (NM_001386342.1); short protein forms R1684Q, R1759Q, R1727Q.
Identifiers: ClinVar variation 1435106 (VCV001435106.5), dbSNP rs765612411, ClinGen allele CA5880775.

ClinVar aggregate classification (germline): Uncertain significance (1 of 4 stars; one submission).

Conditions:
Charcot-Marie-Tooth disease type 4. Also called: Charcot-Marie-Tooth disease, type IV; Charcot-Marie-Tooth, Type 4. Identifiers: Orphanet 64749, MedGen C4082197, MONDO:0018995.

Allele frequency attached by ClinVar (database versions not stated): gnomAD 0.00001; gnomAD exomes 0.00001 and 0.00002; TOPMed 0.00001; ExAC 0.00002.
gnomAD v4.1: 13 of 1,613,800 alleles (0.00081%); highest among the groups gnomAD compares: East Asian, 0.0067%; no homozygotes.

Submission:

Labcorp Genetics (formerly Invitae), Labcorp
Classification: Uncertain significance for Charcot-Marie-Tooth disease type 4. Last evaluated: 2022-02-02. Review status: criteria provided, single submitter. Criteria: Invitae Variant Classification Sherloc (09022015). Collection method: clinical testing. Allele origin: germline.
Comment: This sequence change replaces arginine, which is basic and polar, with glutamine, which is neutral and polar, at codon 1727 of the SBF2 protein (p.Arg1727Gln). This variant is present in population databases (rs765612411, gnomAD 0.01%). This variant has not been reported in the literature in individuals affected with SBF2-related conditions. Algorithms developed to predict the effect of missense changes on protein structure and function (SIFT, PolyPhen-2, Align-GVGD) all suggest that this variant is likely to be tolerated. In summary, the available evidence is currently insufficient to determine the role of this variant in disease. Therefore, it has been classified as a Variant of Uncertain Significance.